The following is an entry in ClinVar:

NM_004562.3(PRKN):c.988G>T (p.Val330Leu)

Gene: PRKN (parkin RBR E3 ubiquitin protein ligase; minus strand). Cytogenetic location: 6q26.
Variant type: single nucleotide variant.
Coding change: c.988G>T on transcript NM_004562.3 (MANE Select); coding-DNA position 988, G replaced by T.
Protein change: p.Val330Leu; replaces valine 330 with leucine.
Molecular consequence: missense variant.
Genome position (GRCh38, 1-based): chr6:161,548,949, C>A on the plus strand (G>T on the coding strand, the complement: PRKN is on the minus strand). VCF-style: chr6-161548949-C-A. GRCh37 (hg19) VCF-style: chr6-161969981-C-A.
Other names: c.904G>T, p.Val302Leu (NM_013987.3); c.541G>T, p.Val181Leu (NM_013988.3); short protein forms V330L, V181L, V302L.
Identifiers: ClinVar variation 1511669 (VCV001511669.6), dbSNP rs749768565, ClinGen allele CA366460486.

ClinVar aggregate classification (germline): Uncertain significance (1 of 4 stars; one submission).

gnomAD v4.1: 14 of 1,613,888 alleles (0.00087%); highest among the groups gnomAD compares: Admixed American, 0.0033%; no homozygotes.

Submission:

Labcorp Genetics (formerly Invitae), Labcorp
Classification: Uncertain significance. Last evaluated: 2021-08-17. Review status: criteria provided, single submitter. Criteria: Invitae Variant Classification Sherloc (09022015). Collection method: clinical testing. Allele origin: germline.
Comment: This variant is not present in population databases (ExAC no frequency). In summary, the available evidence is currently insufficient to determine the role of this variant in disease. Therefore, it has been classified as a Variant of Uncertain Significance. Advanced modeling of protein sequence and biophysical properties (such as structural, functional, and spatial information, amino acid conservation, physicochemical variation, residue mobility, and thermodynamic stability) performed at Invitae indicates that this missense variant is not expected to disrupt PRKN protein function. This variant has not been reported in the literature in individuals affected with PRKN-related conditions. This sequence change replaces valine with leucine at codon 330 of the PRKN protein (p.Val330Leu). The valine residue is moderately conserved and there is a small physicochemical difference between valine and leucine.